The following is an entry in ClinVar:

NM_001041.4(SI):c.2888G>A (p.Arg963Lys)

Gene: SI (sucrase-isomaltase; minus strand). Cytogenetic location: 3q26.1.
Variant type: single nucleotide variant.
Coding change: c.2888G>A on transcript NM_001041.4 (MANE Select); coding-DNA position 2888, G replaced by A.
Protein change: p.Arg963Lys; replaces arginine 963 with lysine.
Molecular consequence: missense variant.
Genome position (GRCh38, 1-based): chr3:165,030,716, C>T on the plus strand (G>A on the coding strand, the complement: SI is on the minus strand). VCF-style: chr3-165030716-C-T. GRCh37 (hg19) VCF-style: chr3-164748504-C-T.
Other names: c.2888G>A (NM_001041.3); short protein forms R963K.
Identifiers: ClinVar variation 1574028 (VCV001574028.11), dbSNP rs148434280, ClinGen allele CA2690477.

ClinVar aggregate classification (germline): Likely benign. Review status: criteria provided, multiple submitters, no conflicts (2 of 4 stars). 3 submissions from 3 submitters: Likely benign (2). 1 of the submissions does not count toward it. Last evaluated 2026-01-12.

Conditions:
Inborn genetic diseases. Identifiers: MedGen C0950123, MeSH D030342.
SI-related disorder. Also called: SI-related condition.

Allele frequency attached by ClinVar (database versions not stated): gnomAD exomes 0.00005 and 0.00013; ExAC 0.00017; gnomAD 0.00051 and 0.00055; 1000 Genomes Project 0.00060; TOPMed 0.00077; 1000 Genomes Project 30x 0.00078; ESP Exome Variant Server 0.00100.
gnomAD v4.1: 148 of 1,607,856 alleles (0.0092%); highest among the groups gnomAD compares: African/African-American, 0.16%; no homozygotes.

Submissions (3):

Labcorp Genetics (formerly Invitae), Labcorp
Classification: Likely benign. Last evaluated: 2026-01-12. Review status: criteria provided, single submitter. Criteria: Invitae Variant Classification Sherloc (09022015). Collection method: clinical testing. Allele origin: germline.

Ambry Genetics
Classification: Likely benign for Inborn genetic diseases. Last evaluated: 2023-12-19. Review status: criteria provided, single submitter. Criteria: Ambry Variant Classification Scheme 2023. Collection method: clinical testing. Allele origin: germline.

PreventionGenetics, part of Exact Sciences
Classification: Uncertain significance for SI-related condition. Last evaluated: 2023-12-11. Review status: no assertion criteria provided. Collection method: clinical testing. Allele origin: germline. Not counted in ClinVar's aggregate classification.
Comment: The SI c.2888G>A variant is predicted to result in the amino acid substitution p.Arg963Lys. To our knowledge, this variant has not been reported in the literature. This variant is reported in 0.18% of alleles in individuals of African descent in gnomAD, which may be too high to be causative of disease. Although we suspect that this variant may be benign, at this time, the clinical significance of this variant is uncertain due to the absence of conclusive functional and genetic evidence.